The following is an entry in ClinVar:

NM_003322.6(TULP1):c.541G>T (p.Val181Phe)

Gene: TULP1 (TUB like protein 1; minus strand). Cytogenetic location: 6p21.31.
Variant type: single nucleotide variant.
Coding change: c.541G>T on transcript NM_003322.6 (MANE Select); coding-DNA position 541, G replaced by T.
Protein change: p.Val181Phe; replaces valine 181 with phenylalanine.
Molecular consequence: missense variant.
Genome position (GRCh38, 1-based): chr6:35,509,887, C>A on the plus strand (G>T on the coding strand, the complement: TULP1 is on the minus strand). VCF-style: chr6-35509887-C-A. GRCh37 (hg19) VCF-style: chr6-35477664-C-A.
Other names: c.382G>T, p.Val128Phe (NM_001289395.2); short protein forms V128F, V181F.
Identifiers: ClinVar variation 1347083 (VCV001347083.9), dbSNP rs576738703, ClinGen allele CA363782917.

ClinVar aggregate classification (germline): Uncertain significance. Review status: criteria provided, multiple submitters, no conflicts (2 of 4 stars). 2 submissions from 2 submitters: Uncertain significance (2). Last evaluated 2026-09-01.

Submissions (2):

CeGaT Center for Human Genetics Tuebingen
Classification: Uncertain significance. Last evaluated: 2026-09-01. Review status: criteria provided, single submitter. Criteria: CeGaT Center For Human Genetics Tuebingen Variant Classification Criteria Version 2. Collection method: clinical testing. Allele origin: germline. Affected: yes. Observed: 1 variant allele.
Comment: TULP1: PM2, BP4

Labcorp Genetics (formerly Invitae), Labcorp
Classification: Uncertain significance. Last evaluated: 2022-02-04. Review status: criteria provided, single submitter. Criteria: Invitae Variant Classification Sherloc (09022015). Collection method: clinical testing. Allele origin: germline.
Comment: In summary, the available evidence is currently insufficient to determine the role of this variant in disease. Therefore, it has been classified as a Variant of Uncertain Significance. Algorithms developed to predict the effect of missense changes on protein structure and function are either unavailable or do not agree on the potential impact of this missense change (SIFT: "Not Available"; PolyPhen-2: "Benign"; Align-GVGD: "Not Available"). This variant has not been reported in the literature in individuals affected with TULP1-related conditions. This variant is not present in population databases (gnomAD no frequency). This sequence change replaces valine, which is neutral and non-polar, with phenylalanine, which is neutral and non-polar, at codon 181 of the TULP1 protein (p.Val181Phe).